The following is an entry in ClinVar:

NM_138395.4(MARS2):c.1247A>C (p.Asn416Thr)

Gene: MARS2 (methionyl-tRNA synthetase 2, mitochondrial; plus strand). Cytogenetic location: 2q33.1.
Variant type: single nucleotide variant.
Coding change: c.1247A>C on transcript NM_138395.4 (MANE Select); coding-DNA position 1247, A replaced by C.
Protein change: p.Asn416Thr; replaces asparagine 416 with threonine.
Molecular consequence: missense variant.
Genome position (GRCh38, 1-based): chr2:197,706,652, A>C. VCF-style: chr2-197706652-A-C. GRCh37 (hg19) VCF-style: chr2-198571376-A-C.
Other names: p.N416T:AAT>ACT; short protein forms N416T.
Identifiers: ClinVar variation 214630 (VCV000214630.3), dbSNP rs863224062, ClinGen allele CA322187.

ClinVar aggregate classification (germline): Uncertain significance (1 of 4 stars; one submission).

Allele frequency attached by ClinVar (database versions not stated): TOPMed below 0.00001; gnomAD exomes 0.00001 and below 0.00001; gnomAD 0.00003.
gnomAD v4.1: 23 of 1,613,972 alleles (0.0014%); highest among the groups gnomAD compares: Non-Finnish European, 0.0019%; no homozygotes.

Submission:

GeneDx
Classification: Uncertain significance. Last evaluated: 2025-07-25. Review status: criteria provided, single submitter. Criteria: GeneDx Variant Classification Process June 2021. Collection method: clinical testing. Allele origin: germline. Affected: yes.
Comment: Not observed at significant frequency in large population cohorts (gnomAD); In silico analysis supports that this missense variant has a deleterious effect on protein structure/function; Has not been previously published as pathogenic or benign to our knowledge